The following is an entry in ClinVar:

NM_015559.3(SETBP1):c.661G>A (p.Asp221Asn)

Gene: SETBP1 (SET binding protein 1; plus strand). Cytogenetic location: 18q12.3.
Variant type: single nucleotide variant.
Coding change: c.661G>A on transcript NM_015559.3 (MANE Select); coding-DNA position 661, G replaced by A.
Protein change: p.Asp221Asn; replaces aspartic acid 221 with asparagine.
Molecular consequence: missense variant.
Genome position (GRCh38, 1-based): chr18:44,950,001, G>A. VCF-style: chr18-44950001-G-A. GRCh37 (hg19) VCF-style: chr18-42529966-G-A.
Other names: c.661G>A, p.Asp221Asn (NM_001379141.1, NM_001379142.1, NM_001410862.1); short protein forms D221N.
Identifiers: ClinVar variation 2711148 (VCV002711148.3), dbSNP rs2071298853, ClinGen allele CA402316563.

ClinVar aggregate classification (germline): Uncertain significance (1 of 4 stars; one submission).

Allele frequency attached by ClinVar (database versions not stated): gnomAD exomes below 0.00001; gnomAD 0.00001.
gnomAD v4.1: 2 of 1,613,964 alleles (0.00012%); highest among the groups gnomAD compares: South Asian, 0.0022%; no homozygotes.

Submission:

Labcorp Genetics (formerly Invitae), Labcorp
Classification: Uncertain significance. Last evaluated: 2024-01-24. Review status: criteria provided, single submitter. Criteria: Invitae Variant Classification Sherloc (09022015). Collection method: clinical testing. Allele origin: germline.
Comment: This sequence change replaces aspartic acid, which is acidic and polar, with asparagine, which is neutral and polar, at codon 221 of the SETBP1 protein (p.Asp221Asn). This variant is not present in population databases (gnomAD no frequency). This variant has not been reported in the literature in individuals affected with SETBP1-related conditions. Advanced modeling of protein sequence and biophysical properties (such as structural, functional, and spatial information, amino acid conservation, physicochemical variation, residue mobility, and thermodynamic stability) performed at Invitae indicates that this missense variant is not expected to disrupt SETBP1 protein function with a negative predictive value of 80%. In summary, the available evidence is currently insufficient to determine the role of this variant in disease. Therefore, it has been classified as a Variant of Uncertain Significance.